The following is an entry in ClinVar:

NM_018474.6(KIZ):c.917G>A (p.Arg306Gln)

Gene: KIZ (kizuna centrosomal protein; plus strand). Cytogenetic location: 20p11.23.
Variant type: single nucleotide variant.
Coding change: c.917G>A on transcript NM_018474.6 (MANE Select); coding-DNA position 917, G replaced by A.
Protein change: p.Arg306Gln; replaces arginine 306 with glutamine.
Molecular consequence: missense variant.
Genome position (GRCh38, 1-based): chr20:21,162,382, G>A. VCF-style: chr20-21162382-G-A. GRCh37 (hg19) VCF-style: chr20-21143023-G-A.
Other names: c.608G>A, p.Arg203Gln (NM_001163022.3, NM_001352435.2); c.518G>A, p.Arg173Gln (NM_001163023.3); c.770G>A, p.Arg257Gln (NM_001276389.2); c.917G>A, p.Arg306Gln (NM_001352434.2); c.575G>A, p.Arg192Gln (NM_001352436.2); short protein forms R173Q, R203Q, R257Q, R306Q, R192Q.
Identifiers: ClinVar variation 954014 (VCV000954014.6), dbSNP rs201376938, ClinGen allele CA9784733.
Genomic context (GRCh38, chr20:21,162,382, plus strand): 5'-ACAGAACCACTGATTTAAAGTGTGACAGTTCCAGCGGATCAGAGGGAGAAATACTGACAC[G>A]GGAACATATTGAAGTTGAGGAAAAAAGAGCCAGCCCGCCAGTCTCTCCGATACCAGTTTC-3'
Protein context (NP_060944.3, residues 296-316): SSGSEGEILT[Arg306Gln]EHIEVEEKRA

ClinVar aggregate classification (germline): Conflicting classifications of pathogenicity. Review status: criteria provided, conflicting classifications (1 of 4 stars). 3 submissions from 3 submitters: Uncertain significance (1); Likely benign (2). Last evaluated 2024-07-17.

Allele frequency attached by ClinVar (database versions not stated): gnomAD 0.00004 and 0.00005; TOPMed 0.00005; ESP Exome Variant Server 0.00008; gnomAD exomes 0.00010; ExAC 0.00013.

Submissions (3):

Blueprint Genetics
Classification: Likely benign. Last evaluated: 2024-07-17. Review status: criteria provided, single submitter. Criteria: ACMG Guidelines, 2015. Collection method: clinical testing. Allele origin: germline.

Labcorp Genetics (formerly Invitae), Labcorp
Classification: Uncertain significance. Last evaluated: 2022-06-04. Review status: criteria provided, single submitter. Criteria: Invitae Variant Classification Sherloc (09022015). Collection method: clinical testing. Allele origin: germline.
Comment: This sequence change replaces arginine, which is basic and polar, with glutamine, which is neutral and polar, at codon 306 of the KIZ protein (p.Arg306Gln). This variant is present in population databases (rs201376938, gnomAD 0.06%). This variant has not been reported in the literature in individuals affected with KIZ-related conditions. ClinVar contains an entry for this variant (Variation ID: 954014). In summary, the available evidence is currently insufficient to determine the role of this variant in disease. Therefore, it has been classified as a Variant of Uncertain Significance.

Ambry Genetics
Classification: Likely benign. Last evaluated: 2022-05-30. Review status: criteria provided, single submitter. Criteria: Ambry Variant Classification Scheme 2023. Collection method: clinical testing. Allele origin: germline.